The following is an entry in ClinVar:

NM_001270508.2(TNFAIP3):c.781G>C (p.Val261Leu)

Genes: TNFAIP3 (TNF alpha induced protein 3; plus strand), LOC126859807 (MED14-independent group 3 enhancer GRCh37_chr6:138196296-138197495; plus strand). Cytogenetic location: 6q23.3.
Variant type: single nucleotide variant.
Coding change: c.781G>C on transcript NM_001270508.2 (MANE Select); coding-DNA position 781, G replaced by C.
Protein change: p.Val261Leu; replaces valine 261 with leucine.
Molecular consequence: missense variant.
Genome position (GRCh38, 1-based): chr6:137,876,142, G>C. VCF-style: chr6-137876142-G-C. GRCh37 (hg19) VCF-style: chr6-138197279-G-C.
Other names: c.781G>C, p.Val261Leu (NM_001270507.2, NM_006290.4); short protein forms V261L.
Identifiers: ClinVar variation 4536446 (VCV004536446.2).

ClinVar aggregate classification (germline): Uncertain significance. Review status: criteria provided, multiple submitters, no conflicts (2 of 4 stars). 2 submissions from 2 submitters: Uncertain significance (2). Last evaluated 2025-09-24.

gnomAD v4.1: 2 of 1,613,936 alleles (0.00012%); highest among the groups gnomAD compares: Middle Eastern, 0.016%; no homozygotes.

Submissions (2):

Labcorp Genetics (formerly Invitae), Labcorp
Classification: Uncertain significance. Last evaluated: 2025-09-24. Review status: criteria provided, single submitter. Criteria: Invitae Variant Classification Sherloc (09022015). Collection method: clinical testing. Allele origin: germline.
Comment: This sequence change replaces valine, which is neutral and non-polar, with leucine, which is neutral and non-polar, at codon 261 of the TNFAIP3 protein (p.Val261Leu). This variant is not present in population databases (gnomAD no frequency). This variant has not been reported in the literature in individuals affected with TNFAIP3-related conditions. Invitae Evidence Modeling of protein sequence and biophysical properties (such as structural, functional, and spatial information, amino acid conservation, physicochemical variation, residue mobility, and thermodynamic stability) indicates that this missense variant is not expected to disrupt TNFAIP3 protein function with a negative predictive value of 80%. In summary, the available evidence is currently insufficient to determine the role of this variant in disease. Therefore, it has been classified as a Variant of Uncertain Significance.

GeneDx
Classification: Uncertain significance. Last evaluated: 2025-06-02. Review status: criteria provided, single submitter. Criteria: GeneDx Variant Classification Process June 2021. Collection method: clinical testing. Allele origin: germline. Affected: yes.
Comment: Not observed at significant frequency in large population cohorts (gnomAD); In silico analysis suggests that this missense variant does not alter protein structure/function; Has not been previously published as pathogenic or benign to our knowledge